The following is an entry in ClinVar:

ClinVar aggregate classification (germline): Pathogenic (1 of 4 stars; one submission).

Conditions:
Progressive sclerosing poliodystrophy (MTDPS4A). Also called: ALPERS PROGRESSIVE INFANTILE POLIODYSTROPHY; NEURONAL DEGENERATION OF CHILDHOOD WITH LIVER DISEASE, PROGRESSIVE; Mitochondrial DNA Depletion Syndrome 4A; Alpers-Huttenlocher Syndrome (AHS); Alpers Syndrome; ALPERS DIFFUSE DEGENERATION OF CEREBRAL GRAY MATTER WITH HEPATIC CIRRHOSIS. Identifiers: Orphanet 726, MedGen C0205710, MONDO:0008758, OMIM 203700.

Submission:

Labcorp Genetics (formerly Invitae), Labcorp
Classification: Pathogenic for Progressive sclerosing poliodystrophy. Last evaluated: 2023-10-14. Review status: criteria provided, single submitter. Criteria: Invitae Variant Classification Sherloc (09022015). Collection method: clinical testing. Allele origin: unknown.
Comment: This variant is a gross deletion of the genomic region encompassing exon(s) 21-23 of the POLG gene, which includes the termination codon. This deletion extends beyond the assayed region for this gene and therefore may encompass additional genes. While this deletion is not anticipated to lead to nonsense mediated decay, it is expected to alter mRNA translation or result in a truncated protein product. This variant has not been reported in the literature in individuals affected with POLG-related conditions. This variant disrupts a region of the POLG protein in which other variant(s) (p.Lys1191Asn) have been determined to be pathogenic (PMID: 16621917, 19538466, 30423451). This suggests that this is a clinically significant region of the protein, and that variants that disrupt it are likely to be disease-causing. For these reasons, this variant has been classified as Pathogenic.

Literature cited by the submitters: PubMed 16621917; PubMed 19538466; PubMed 30423451.

NC_000015.9:g.(?_89856115)_(89862000_?)del

Genes: FANCI (FA complementation group I; plus strand), POLG (DNA polymerase gamma, catalytic subunit; minus strand). Cytogenetic location: 15q26.1.
Variant type: Deletion.
Identifiers: ClinVar variation 3243754 (VCV003243754.1).